The following is an entry in ClinVar:

NM_004064.5(CDKN1B):c.21_24del (p.Asn8fs)

Gene: CDKN1B (cyclin dependent kinase inhibitor 1B; plus strand). Cytogenetic location: 12p13.1.
Variant type: Deletion.
Coding change: c.21_24del on transcript NM_004064.5 (MANE Select); coding-DNA positions 21 to 24, 4 bases deleted (TAAC; older notation c.21_24delTAAC).
Protein change: p.Asn8fs; shifts the reading frame from asparagine 8.
Molecular consequence: frameshift variant.
Genome position (GRCh38, 1-based): chr12:12,717,860-12,717,863, TAAC deleted; deleting any 4 consecutive bases within chr12:12,717,859-12,717,863 gives the same sequence; the c. name uses the placement nearest the transcript's 3' end. VCF-style (leftmost placement, unchanged base first): chr12-12717858-TCTAA-T. GRCh37 (hg19) VCF-style: chr12-12870792-TCTAA-T.
Other names: short protein forms N8fs.
Identifiers: ClinVar variation 3376163 (VCV003376163.3).

ClinVar aggregate classification (germline): Likely pathogenic (1 of 4 stars; one submission).

Conditions:
Multiple endocrine neoplasia type 4. Also called: MULTIPLE ENDOCRINE NEOPLASIA, TYPE IV. Identifiers: Orphanet 276152, MedGen C1970712, MONDO:0012552, OMIM 610755.

Submission:

Institute of Human Genetics, University of Leipzig Medical Center
Classification: Likely pathogenic for Multiple endocrine neoplasia type 4. Last evaluated: 2024-10-10. Review status: criteria provided, single submitter. Criteria: ACMG Guidelines, 2015. Collection method: clinical testing. Allele origin: unknown. Inheritance: Autosomal dominant inheritance. Affected: yes.
Comment: Criteria applied: PVS1,PM2_SUP